The following is an entry in ClinVar:

NM_001037333.3(CYFIP2):c.1672-2A>G

Gene: CYFIP2 (cytoplasmic FMR1 interacting protein 2; plus strand). Cytogenetic location: 5q33.3.
Variant type: single nucleotide variant.
Coding change: c.1672-2A>G on transcript NM_001037333.3 (MANE Select); the canonical splice acceptor site of the intron before coding-DNA position 1672, A replaced by G.
Molecular consequence: splice acceptor variant.
Genome position (GRCh38, 1-based): chr5:157,323,919, A>G. VCF-style: chr5-157323919-A-G. GRCh37 (hg19) VCF-style: chr5-156750927-A-G.
Other names: c.1747-2A>G (NM_001291722.2); c.1594-2A>G (NM_001291721.2); c.1672-2A>G (NM_014376.4).
Identifiers: ClinVar variation 4527157 (VCV004527157.1).

ClinVar aggregate classification (germline): Uncertain significance (1 of 4 stars; one submission).

Submission:

GeneDx
Classification: Uncertain significance. Last evaluated: 2025-04-20. Review status: criteria provided, single submitter. Criteria: GeneDx Variant Classification Process June 2021. Collection method: clinical testing. Allele origin: germline. Affected: yes.
Comment: Not observed at significant frequency in large population cohorts (gnomAD); Has not been previously published as pathogenic or benign to our knowledge; Canonical splice site variant in a gene for which loss-of-function is not a known mechanism of disease